The following is an entry in ClinVar:

ClinVar aggregate classification (germline): Uncertain significance. Review status: criteria provided, multiple submitters, no conflicts (2 of 4 stars). 5 submissions from 5 submitters: Uncertain significance (5). Last evaluated 2026-10-01.

Conditions:
Multiple mitochondrial dysfunctions syndrome 3 (MMDS3). Identifiers: Orphanet 363424, MedGen C3809165, MONDO:0014132, OMIM 615330.
Hereditary spastic paraplegia 74. Also called: Spastic paraplegia 74, autosomal recessive. Identifiers: Orphanet 468661, MedGen C5568837, MONDO:0014644, OMIM 616451.
Inborn genetic diseases. Identifiers: MedGen C0950123, MeSH D030342.

Allele frequency attached by ClinVar (database versions not stated): ExAC 0.00045; gnomAD exomes 0.00049; TOPMed 0.00056; gnomAD 0.00058 and 0.00071; ESP Exome Variant Server 0.00100.
gnomAD v4.1: 1,341 of 1,573,212 alleles (0.085%); highest among the groups gnomAD compares: Non-Finnish European, 0.11%; 2 homozygotes.

Submissions (5):

GeneDx
Classification: Uncertain significance. Last evaluated: 2026-10-01. Review status: criteria provided, single submitter. Criteria: GeneDx Variant Classification Process June 2021. Collection method: clinical testing. Allele origin: germline.
Comment: Has not been previously published as pathogenic or benign to our knowledge; In silico analysis suggests that this missense variant does not alter protein structure/function

Mayo Clinic Laboratories, Mayo Clinic
Classification: Uncertain significance. Last evaluated: 2025-06-04. Review status: criteria provided, single submitter. Criteria: ACMG Guidelines, 2015. Collection method: clinical testing. Allele origin: germline. Observed: 2 variant alleles.
Comment: BP4_moderate

Blueprint Genetics
Classification: Uncertain significance. Last evaluated: 2024-10-29. Review status: criteria provided, single submitter. Criteria: ACMG Guidelines, 2015. Collection method: clinical testing. Allele origin: germline.

Labcorp Genetics (formerly Invitae), Labcorp
Classification: Uncertain significance for Multiple mitochondrial dysfunctions syndrome 3; Hereditary spastic paraplegia 74. Last evaluated: 2022-09-01. Review status: criteria provided, single submitter. Criteria: Invitae Variant Classification Sherloc (09022015). Collection method: clinical testing. Allele origin: germline.
Comment: This sequence change replaces threonine, which is neutral and polar, with isoleucine, which is neutral and non-polar, at codon 200 of the IBA57 protein (p.Thr200Ile). This variant is present in population databases (rs149136930, gnomAD 0.09%), and has an allele count higher than expected for a pathogenic variant. This variant has not been reported in the literature in individuals affected with IBA57-related conditions. ClinVar contains an entry for this variant (Variation ID: 559322). Algorithms developed to predict the effect of missense changes on protein structure and function output the following: SIFT: "Tolerated"; PolyPhen-2: "Benign"; Align-GVGD: "Class C0". The isoleucine amino acid residue is found in multiple mammalian species, which suggests that this missense change does not adversely affect protein function. In summary, the available evidence is currently insufficient to determine the role of this variant in disease. Therefore, it has been classified as a Variant of Uncertain Significance.

Ambry Genetics
Classification: Uncertain significance for Inborn genetic diseases. Last evaluated: 2021-06-02. Review status: criteria provided, single submitter. Criteria: Ambry Variant Classification Scheme 2023. Collection method: clinical testing. Allele origin: germline.

NM_001010867.4(IBA57):c.599C>T (p.Thr200Ile)

Gene: IBA57 (iron-sulfur cluster assembly factor IBA57; plus strand). Cytogenetic location: 1q42.13.
Variant type: single nucleotide variant.
Coding change: c.599C>T on transcript NM_001010867.4 (MANE Select); coding-DNA position 599, C replaced by T.
Protein change: p.Thr200Ile; replaces threonine 200 with isoleucine.
Molecular consequence: missense variant.
Genome position (GRCh38, 1-based): chr1:228,174,949, C>T. VCF-style: chr1-228174949-C-T. GRCh37 (hg19) VCF-style: chr1-228362650-C-T.
Other names: p.Thr200Ile; c.20C>T, p.Thr7Ile (NM_001310327.2); short protein forms T200I, T7I.
Identifiers: ClinVar variation 559322 (VCV000559322.20), dbSNP rs149136930, ClinGen allele CA1431190.
Genomic context (GRCh38, chr1:228,174,949, plus strand): 5'-GGGCTGCCGCCATCCTCATCCGCGACCCGCGAACAGCACGCATGGGGTGGCGGCTCCTCA[C>T]CCAGGATGAAGGCCCAGCCCTGGTGCCCGGGGGCCGGCTCGGGGACTTGTGGGATTATCA-3'
Protein context (NP_001010867.1, residues 190-210): RTARMGWRLL[Thr200Ile]QDEGPALVPG